The following is an entry in ClinVar:

ClinVar aggregate classification (germline): Conflicting classifications of pathogenicity. Review status: criteria provided, conflicting classifications (1 of 4 stars). 2 submissions from 2 submitters: Uncertain significance (1); Likely benign (1). Last evaluated 2025-11-20.

Conditions:
PITRM1-related disorder. Also called: PITRM1-related condition.

gnomAD v4.1: 383 of 1,613,396 alleles (0.024%); highest among the groups gnomAD compares: African/African-American, 0.47%; 3 homozygotes.

Submissions (2):

Ambry Genetics
Classification: Uncertain significance. Last evaluated: 2025-11-20. Review status: criteria provided, single submitter. Criteria: Ambry Variant Classification Scheme 2023. Collection method: clinical testing. Allele origin: germline.

PreventionGenetics, part of Exact Sciences
Classification: Likely benign for PITRM1-related condition. Last evaluated: 2025-04-22. Review status: criteria provided, single submitter. Criteria: ACMG Guidelines, 2015. Collection method: clinical testing. Allele origin: germline.
Comment: This variant is classified as likely benign based on ACMG/AMP sequence variant interpretation guidelines (Richards et al. 2015 PMID: 25741868, with internal and published modifications).

NM_014889.4(PITRM1):c.2037C>G (p.Asp679Glu)

Genes: PITRM1 (pitrilysin metallopeptidase 1; minus strand), PITRM1-AS1 (PITRM1 antisense RNA 1; plus strand). Cytogenetic location: 10p15.2.
Variant type: single nucleotide variant.
Coding change: c.2037C>G on transcript NM_014889.4 (MANE Select); coding-DNA position 2037, C replaced by G.
Protein change: p.Asp679Glu; replaces aspartic acid 679 with glutamic acid.
Molecular consequence: missense variant. On other transcripts: non-coding transcript variant (5), intron variant (4).
Genome position (GRCh38, 1-based): chr10:3,148,019, G>C on the plus strand (C>G on the coding strand, the complement: PITRM1 is on the minus strand). VCF-style: chr10-3148019-G-C. GRCh37 (hg19) VCF-style: chr10-3190211-G-C.
Other names: c.2040C>G, p.Asp680Glu (NM_001242307.2); c.1422C>G, p.Asp474Glu (NM_001347727.2); c.732C>G, p.Asp244Glu (NM_001347728.2); c.2013C>G, p.Asp671Glu (NM_001347729.1); c.1848-282C>G (NM_001347730.1); c.1776-282C>G (NM_001242309.1); c.1257-282C>G (NM_001347726.2); c.1872-282C>G (NM_001347725.2); short protein forms D244E, D671E, D680E, D474E, D679E.
Identifiers: ClinVar variation 4568198 (VCV004568198.2).
Genomic context (GRCh38, chr10:3,148,019, plus strand): 5'-AATGGACAACTCTTGCAAATAAAGTTACTTGTTAAATATTTCACTCCATAGCTGCATCAT[G>C]TCTGGCAGGTTTCGATCCAGGCAGAGAGAGGAGAAAAGCACACCCTGAACCAAAGAAAAC-3'
Protein context (NP_055704.2, residues 669-689): SSLCLDRNLP[Asp679Glu]MMQLWSEIFN